The following is an entry in ClinVar:

ClinVar aggregate classification (germline): Uncertain significance (1 of 4 stars; one submission).

Allele frequency attached by ClinVar (database versions not stated): ExAC 0.00001; gnomAD exomes 0.00002 and 0.00003; gnomAD 0.00006 and 0.00007; TOPMed 0.00007.
gnomAD v4.1: 18 of 1,613,276 alleles (0.0011%); highest among the groups gnomAD compares: Admixed American, 0.028%; no homozygotes.

Submission:

Labcorp Genetics (formerly Invitae), Labcorp
Classification: Uncertain significance. Last evaluated: 2021-12-03. Review status: criteria provided, single submitter. Criteria: Invitae Variant Classification Sherloc (09022015). Collection method: clinical testing. Allele origin: germline.
Comment: This sequence change replaces proline, which is neutral and non-polar, with serine, which is neutral and polar, at codon 1208 of the FAT4 protein (p.Pro1208Ser). This variant is present in population databases (rs761868141, gnomAD 0.02%). In summary, the available evidence is currently insufficient to determine the role of this variant in disease. Therefore, it has been classified as a Variant of Uncertain Significance. Advanced modeling of protein sequence and biophysical properties (such as structural, functional, and spatial information, amino acid conservation, physicochemical variation, residue mobility, and thermodynamic stability) performed at Invitae indicates that this missense variant is expected to disrupt FAT4 protein function. This variant has not been reported in the literature in individuals affected with FAT4-related conditions.

NM_001291303.3(FAT4):c.3622C>T (p.Pro1208Ser)

Gene: FAT4 (FAT atypical cadherin 4; plus strand). Cytogenetic location: 4q28.1.
Variant type: single nucleotide variant.
Coding change: c.3622C>T on transcript NM_001291303.3 (MANE Select); coding-DNA position 3622, C replaced by T.
Protein change: p.Pro1208Ser; replaces proline 1208 with serine.
Molecular consequence: missense variant.
Genome position (GRCh38, 1-based): chr4:125,320,033, C>T. VCF-style: chr4-125320033-C-T. GRCh37 (hg19) VCF-style: chr4-126241188-C-T.
Other names: c.3622C>T, p.Pro1208Ser (NM_001291285.3, NM_024582.6); short protein forms P1208S.
Identifiers: ClinVar variation 1383078 (VCV001383078.6), dbSNP rs761868141, ClinGen allele CA3072335.